The following is an entry in ClinVar:

ClinVar aggregate classification (germline): Uncertain significance (1 of 4 stars; one submission).

Allele frequency attached by ClinVar (database versions not stated): gnomAD exomes below 0.00001.

Submission:

Labcorp Genetics (formerly Invitae), Labcorp
Classification: Uncertain significance. Last evaluated: 2022-07-03. Review status: criteria provided, single submitter. Criteria: Invitae Variant Classification Sherloc (09022015). Collection method: clinical testing. Allele origin: germline.
Comment: This variant is not present in population databases (gnomAD no frequency). This sequence change creates a premature translational stop signal (p.Leu255Glnfs*2) in the PLA2G4A gene. It is expected to result in an absent or disrupted protein product. However, the current clinical and genetic evidence is not sufficient to establish whether loss-of-function variants in PLA2G4A cause disease. This variant has not been reported in the literature in individuals affected with PLA2G4A-related conditions. In summary, the available evidence is currently insufficient to determine the role of this variant in disease. Therefore, it has been classified as a Variant of Uncertain Significance.

NM_024420.3(PLA2G4A):c.764del (p.Leu255fs)

Gene: PLA2G4A (phospholipase A2 group IVA; plus strand). Cytogenetic location: 1q31.1.
Variant type: Deletion.
Coding change: c.764del on transcript NM_024420.3 (MANE Select); coding-DNA position 764, one base deleted (T; older notation c.764delT).
Protein change: p.Leu255fs; shifts the reading frame from leucine 255.
Molecular consequence: frameshift variant.
Genome position (GRCh38, 1-based): chr1:186,939,076, T deleted. VCF-style (leftmost placement, unchanged base first): chr1-186939075-CT-C. GRCh37 (hg19) VCF-style: chr1-186908207-CT-C.
Other names: c.584del, p.Leu195fs (NM_001311193.2); short protein forms L195fs, L255fs.
Identifiers: ClinVar variation 1919706 (VCV001919706.5), dbSNP rs2526484257, ClinGen allele CA2580061713.
Genomic context (GRCh38, chr1:186,939,075, plus strand): 5'-TCAACCTTGTATTCTCACCCTGATTTTCCAGAGAAAGGGCCAGAGGAGATTAATGAAGAA[CT>C]AATGAAAAATGTTAGCCACAATCCCCTTTTACTTCTCACACCACAGAAAGTTAAAAGATA-3'